The following is an entry in ClinVar:

NM_003200.5(TCF3):c.499+7G>A

Gene: TCF3 (transcription factor 3; minus strand). Cytogenetic location: 19p13.3.
Variant type: single nucleotide variant.
Coding change: c.499+7G>A on transcript NM_003200.5 (MANE Select); 7 bases into the intron after coding-DNA position 499, G replaced by A.
Molecular consequence: intron variant.
Genome position (GRCh38, 1-based): chr19:1,625,569, C>T on the plus strand (G>A on the coding strand, the complement: TCF3 is on the minus strand). VCF-style: chr19-1625569-C-T. GRCh37 (hg19) VCF-style: chr19-1625568-C-T.
Other names: c.499+7G>A (NM_001351778.2, NM_001136139.4, NM_001351779.2 and 1 more transcripts).
Identifiers: ClinVar variation 2648943 (VCV002648943.29), dbSNP rs537528466, ClinGen allele CA9050379.

ClinVar aggregate classification (germline): Likely benign. Review status: criteria provided, multiple submitters, no conflicts (2 of 4 stars). 4 submissions from 4 submitters: Likely benign (4). Last evaluated 2026-09-21.

Conditions:
TCF3-related disorder. Also called: TCF3-related condition.

Allele frequency attached by ClinVar (database versions not stated): gnomAD 0.00001; ExAC 0.00015.
gnomAD v4.1: 64 of 1,578,198 alleles (0.0041%); highest among the groups gnomAD compares: South Asian, 0.027%; no homozygotes.

Submissions (4):

PreventionGenetics, part of Exact Sciences
Classification: Likely benign for TCF3-related condition. Last evaluated: 2026-09-21. Review status: criteria provided, single submitter. Criteria: ACMG Guidelines, 2015. Collection method: clinical testing. Allele origin: germline.
Comment: This variant is classified as likely benign based on ACMG/AMP sequence variant interpretation guidelines (Richards et al. 2015 PMID: 25741868, with internal and published modifications).

Labcorp Genetics (formerly Invitae), Labcorp
Classification: Likely benign. Last evaluated: 2025-08-24. Review status: criteria provided, single submitter. Criteria: Invitae Variant Classification Sherloc (09022015). Collection method: clinical testing. Allele origin: germline.

CeGaT Center for Human Genetics Tuebingen
Classification: Likely benign. Last evaluated: 2022-08-01. Review status: criteria provided, single submitter. Criteria: CeGaT Center For Human Genetics Tuebingen Variant Classification Criteria Version 2. Collection method: clinical testing. Allele origin: germline. Affected: yes. Observed: 1 variant allele.
Comment: TCF3: BP4

Blueprint Genetics
Classification: Likely benign. Last evaluated: 2020-12-07. Review status: criteria provided, single submitter. Criteria: ACMG Guidelines, 2015. Collection method: clinical testing. Allele origin: germline.